The following is an entry in ClinVar:

ClinVar aggregate classification (germline): Likely benign. Review status: criteria provided, multiple submitters, no conflicts (2 of 4 stars). 2 submissions from 2 submitters: Likely benign (2). Last evaluated 2026-04-07.

Conditions:
MYO5B-related disorder. Also called: MYO5B-related condition.

Submissions (2):

PreventionGenetics, part of Exact Sciences
Classification: Likely benign for MYO5B-related condition. Last evaluated: 2026-04-07. Review status: criteria provided, single submitter. Criteria: ACMG Guidelines, 2015. Collection method: clinical testing. Allele origin: germline.
Comment: This variant is classified as likely benign based on ACMG/AMP sequence variant interpretation guidelines (Richards et al. 2015 PMID: 25741868, with internal and published modifications).

Labcorp Genetics (formerly Invitae), Labcorp
Classification: Likely benign. Last evaluated: 2022-10-19. Review status: criteria provided, single submitter. Criteria: Invitae Variant Classification Sherloc (09022015). Collection method: clinical testing. Allele origin: germline.

NM_001080467.3(MYO5B):c.1704C>T (p.Asn568=)

Gene: MYO5B (myosin VB; minus strand). Cytogenetic location: 18q21.1.
Variant type: single nucleotide variant.
Coding change: c.1704C>T on transcript NM_001080467.3 (MANE Select); coding-DNA position 1704, C replaced by T.
Protein change: p.Asn568=; no amino-acid change (asparagine 568 retained).
Molecular consequence: synonymous variant.
Genome position (GRCh38, 1-based): chr18:49,953,308, G>A on the plus strand (C>T on the coding strand, the complement: MYO5B is on the minus strand). VCF-style: chr18-49953308-G-A. GRCh37 (hg19) VCF-style: chr18-47479678-G-A.
Other names: c.1704C>T (NM_001080467.2).
Identifiers: ClinVar variation 2036176 (VCV002036176.5), dbSNP rs2511317482, ClinGen allele CA503861492.